The following is an entry in ClinVar:

ClinVar aggregate classification (germline): Uncertain significance (1 of 4 stars; one submission).

Submission:

GeneDx
Classification: Uncertain significance. Last evaluated: 2024-03-05. Review status: criteria provided, single submitter. Criteria: GeneDx Variant Classification Process June 2021. Collection method: clinical testing. Allele origin: germline. Affected: yes.
Comment: Not observed at significant frequency in large population cohorts (gnomAD); In silico analysis supports that this missense variant has a deleterious effect on protein structure/function; Has not been previously published as pathogenic or benign to our knowledge

NM_020937.4(FANCM):c.5528T>C (p.Leu1843Ser)

Gene: FANCM (FA complementation group M; plus strand). Cytogenetic location: 14q21.2.
Variant type: single nucleotide variant.
Coding change: c.5528T>C on transcript NM_020937.4 (MANE Select); coding-DNA position 5528, T replaced by C.
Protein change: p.Leu1843Ser; replaces leucine 1843 with serine.
Molecular consequence: missense variant.
Genome position (GRCh38, 1-based): chr14:45,196,359, T>C. VCF-style: chr14-45196359-T-C. GRCh37 (hg19) VCF-style: chr14-45665562-T-C.
Other names: c.5450T>C, p.Leu1817Ser (NM_001308133.2); short protein forms L1817S, L1843S.
Identifiers: ClinVar variation 3373687 (VCV003373687.1).
Genomic context (GRCh38, chr14:45,196,359, plus strand): 5'-GTGGTCATGAAATCACTTCTGGATTAGAAGTAATTTCTTCCCTAAGAGCAATTCATGGGT[T>C]GCAAGTAGAAGTTTGTCCTCTTAATGGCTGTGATTACATCGTGAGTAATCGCATGGTGGT-3'
Protein context (NP_065988.1, residues 1833-1853): VISSLRAIHG[Leu1843Ser]QVEVCPLNGC